The following is an entry in ClinVar:

ClinVar aggregate classification (germline): Uncertain significance (1 of 4 stars; one submission).

Conditions:
Cardiovascular phenotype. Identifiers: MedGen CN230736.

Allele frequency attached by ClinVar (database versions not stated): gnomAD exomes below 0.00001.
gnomAD v4.1: 2 of 1,614,066 alleles (0.00012%); highest among the groups gnomAD compares: Non-Finnish European, 0.00017%; no homozygotes.

Submission:

Ambry Genetics
Classification: Uncertain significance for Cardiovascular phenotype. Last evaluated: 2021-02-05. Review status: criteria provided, single submitter. Criteria: Ambry Variant Classification Scheme 2023. Collection method: clinical testing. Allele origin: germline.
Comment: The p.G858E variant (also known as c.2573G>A), located in coding exon 24 of the ANK2 gene, results from a G to A substitution at nucleotide position 2573. The glycine at codon 858 is replaced by glutamic acid, an amino acid with similar properties. This amino acid position is highly conserved in available vertebrate species. In addition, the in silico prediction for this alteration is inconclusive. Since supporting evidence is limited at this time, the clinical significance of this alteration remains unclear.

NM_001148.6(ANK2):c.2573G>A (p.Gly858Glu)

Gene: ANK2 (ankyrin 2; plus strand). Cytogenetic location: 4q26.
Variant type: single nucleotide variant.
Coding change: c.2573G>A on transcript NM_001148.6 (MANE Select); coding-DNA position 2573, G replaced by A.
Protein change: p.Gly858Glu; replaces glycine 858 with glutamic acid.
Molecular consequence: missense variant.
Genome position (GRCh38, 1-based): chr4:113,311,279, G>A. VCF-style: chr4-113311279-G-A. GRCh37 (hg19) VCF-style: chr4-114232435-G-A.
Other names: c.2510G>A, p.Gly837Glu (NM_001127493.3, NM_001354239.2, NM_001354243.2 and 10 more transcripts); c.2573G>A, p.Gly858Glu (NM_001354225.2, NM_001354228.2, NM_001354232.2 and 6 more transcripts); c.2618G>A, p.Gly873Glu (NM_001354230.2, NM_001354231.2, NM_001354237.2 and 5 more transcripts); c.2474G>A, p.Gly825Glu (NM_001354245.2, NM_001354268.2); c.2486G>A, p.Gly829Glu (NM_001354249.2, NM_001354264.2, NM_001354266.2 and 10 more transcripts); c.2411G>A, p.Gly804Glu (NM_001354253.2, NM_001354257.2, NM_001354270.2 and 1 more transcripts); c.2387G>A, p.Gly796Glu (NM_001354260.2, NM_001354271.2, NM_001386151.1); c.2531G>A, p.Gly844Glu (NM_001354261.2, NM_001386147.1, NM_001386160.1); and 9 more; short protein forms G763E, G788E, G796E, G804E, G885E, G893E, G825E, G873E.
Identifiers: ClinVar variation 1793277 (VCV001793277.2), dbSNP rs2499436379, ClinGen allele CA357926819.